The following is an entry in ClinVar:

NM_023067.4(FOXL2):c.348dup (p.Arg117fs)

Gene: FOXL2 (forkhead box L2; minus strand). Cytogenetic location: 3q22.3.
Variant type: Duplication.
Coding change: c.348dup on transcript NM_023067.4 (MANE Select); coding-DNA position 348, one base duplicated (G; older notation c.348dupG).
Protein change: p.Arg117fs; shifts the reading frame from arginine 117.
Molecular consequence: frameshift variant.
Genome position (GRCh38, 1-based): chr3:138,946,375, C duplicated on the plus strand (G on the coding strand, the reverse complement: FOXL2 is on the minus strand). VCF-style (leftmost placement, unchanged base first): chr3-138946374-G-GC. GRCh37 (hg19) VCF-style: chr3-138665216-G-GC.
Other names: short protein forms R117fs.
Identifiers: ClinVar variation 2830643 (VCV002830643.3), dbSNP rs2473814628, ClinGen allele CA2739278057.

ClinVar aggregate classification (germline): Pathogenic (1 of 4 stars; one submission).

Submission:

Labcorp Genetics (formerly Invitae), Labcorp
Classification: Pathogenic. Last evaluated: 2023-01-25. Review status: criteria provided, single submitter. Criteria: Invitae Variant Classification Sherloc (09022015). Collection method: clinical testing. Allele origin: germline.
Comment: This sequence change creates a premature translational stop signal (p.Arg117Alafs*122) in the FOXL2 gene. While this is not anticipated to result in nonsense mediated decay, it is expected to disrupt the last 260 amino acid(s) of the FOXL2 protein. This variant is not present in population databases (gnomAD no frequency). This variant has not been reported in the literature in individuals affected with FOXL2-related conditions. This variant disrupts a region of the FOXL2 protein in which other variant(s) (p.Pro307Hisfs*52) have been determined to be pathogenic (PMID: 11468277). This suggests that this is a clinically significant region of the protein, and that variants that disrupt it are likely to be disease-causing. For these reasons, this variant has been classified as Pathogenic.

Literature cited by the submitters: PubMed 11468277.